The following is an entry in ClinVar:

ClinVar aggregate classification (germline): Likely pathogenic (1 of 4 stars; one submission).

Conditions:
Primary ciliary dyskinesia 3. Identifiers: Orphanet 244, MedGen C1837618, MONDO:0012085, OMIM 608644.

Submission:

Myriad Genetics, Inc.
Classification: Likely pathogenic for Primary ciliary dyskinesia 3. Last evaluated: 2022-05-19. Review status: criteria provided, single submitter. Criteria: Myriad Women's Health Autosomal Recessive and X-Linked Classification Criteria (2021). Collection method: clinical testing. Allele origin: unknown.
Comment: NM_001369.2(DNAH5):c.9958delA(M3320Cfs*18) is expected to be pathogenic in the context of DNAH5-related primary ciliary dyskinesia. This variant is predicted to lead to an abnormal or absent protein product due to the creation of a premature termination codon in DNAH5, a gene where loss-of-function variants are known to be pathogenic. Please note: this variant was assessed in the context of healthy population screening.

NM_001369.3(DNAH5):c.9958del (p.Met3320fs)

Gene: DNAH5 (dynein axonemal heavy chain 5; minus strand). Cytogenetic location: 5p15.2.
Variant type: Deletion.
Coding change: c.9958del on transcript NM_001369.3 (MANE Select); coding-DNA position 9958, one base deleted (A; older notation c.9958delA).
Protein change: p.Met3320fs; shifts the reading frame from methionine 3320.
Molecular consequence: frameshift variant.
Genome position (GRCh38, 1-based): chr5:13,766,119, T deleted on the plus strand (A on the coding strand, the reverse complement: DNAH5 is on the minus strand). VCF-style (leftmost placement, unchanged base first): chr5-13766118-AT-A. GRCh37 (hg19) VCF-style: chr5-13766227-AT-A.
Other names: short protein forms M3320fs.
Identifiers: ClinVar variation 1726179 (VCV001726179.2), dbSNP rs2546648576, ClinGen allele CA2580072193.